The following is an entry in ClinVar:

NM_024753.5(TTC21B):c.141A>G (p.Thr47=)

Gene: TTC21B (tetratricopeptide repeat domain 21B; minus strand). Cytogenetic location: 2q24.3.
Variant type: single nucleotide variant.
Coding change: c.141A>G on transcript NM_024753.5 (MANE Select); coding-DNA position 141, A replaced by G.
Protein change: p.Thr47=; no amino-acid change (threonine 47 retained).
Molecular consequence: synonymous variant.
Genome position (GRCh38, 1-based): chr2:165,949,605, T>C on the plus strand (A>G on the coding strand, the complement: TTC21B is on the minus strand). VCF-style: chr2-165949605-T-C. GRCh37 (hg19) VCF-style: chr2-166806115-T-C.
Other names: c.141A>G (NM_024753.4).
Identifiers: ClinVar variation 2092860 (VCV002092860.5), dbSNP rs776021696, ClinGen allele CA1942552.

ClinVar aggregate classification (germline): Likely benign. Review status: criteria provided, single submitter (1 of 4 stars). 2 submissions from 2 submitters: Likely benign (1). 1 of the submissions does not count toward it. Last evaluated 2025-01-06.

Conditions:
Jeune thoracic dystrophy. Also called: Jeune syndrome; Infantile thoracic dystrophy; Thoracic pelvic phalangeal dystrophy; Jeune's syndrome; Chondroectodermal dysplasia-like syndrome; Short-rib thoracic dysplasia. Identifiers: Orphanet 474, MedGen C0265275, MONDO:0018770.
Nephronophthisis. Also called: Juvenile Nephronophthisis. Identifiers: Orphanet 655, MedGen C0687120, MONDO:0019005, HP:0000090.
TTC21B-related disorder. Also called: TTC21B-related condition; TTC21B-related disorders.

Allele frequency attached by ClinVar (database versions not stated): ExAC 0.00001.

Submissions (2):

Labcorp Genetics (formerly Invitae), Labcorp
Classification: Likely benign for Jeune thoracic dystrophy; Nephronophthisis. Last evaluated: 2025-01-06. Review status: criteria provided, single submitter. Criteria: Invitae Variant Classification Sherloc (09022015). Collection method: clinical testing. Allele origin: germline.

PreventionGenetics, part of Exact Sciences
Classification: Likely benign for TTC21B-related condition. Last evaluated: 2024-09-08. Review status: no assertion criteria provided. Collection method: clinical testing. Allele origin: germline. Not counted in ClinVar's aggregate classification.
Comment: This variant is classified as likely benign based on ACMG/AMP sequence variant interpretation guidelines (Richards et al. 2015 PMID: 25741868, with internal and published modifications).